The following is an entry in ClinVar:

NM_020779.4(WDR35):c.2254G>A (p.Glu752Lys)

Gene: WDR35 (WD repeat domain 35; minus strand). Cytogenetic location: 2p24.1.
Variant type: single nucleotide variant.
Coding change: c.2254G>A on transcript NM_020779.4 (MANE Select); coding-DNA position 2254, G replaced by A.
Protein change: p.Glu752Lys; replaces glutamic acid 752 with lysine.
Molecular consequence: missense variant.
Genome position (GRCh38, 1-based): chr2:19,937,756, C>T on the plus strand (G>A on the coding strand, the complement: WDR35 is on the minus strand). VCF-style: chr2-19937756-C-T. GRCh37 (hg19) VCF-style: chr2-20137517-C-T.
Other names: c.2287G>A (NM_001006657.1); c.2287G>A, p.Glu763Lys (NM_001006657.2); short protein forms E763K, E752K.
Identifiers: ClinVar variation 1396364 (VCV001396364.4), dbSNP rs756006241, ClinGen allele CA1543011.

ClinVar aggregate classification (germline): Uncertain significance. Review status: criteria provided, multiple submitters, no conflicts (2 of 4 stars). 2 submissions from 2 submitters: Uncertain significance (2). Last evaluated 2023-12-15.

Conditions:
Cranioectodermal dysplasia 2 (CED2). Identifiers: Orphanet 1515, MedGen C3150874, MONDO:0013323, OMIM 613610.
Short-rib thoracic dysplasia 7 with or without polydactyly (SRTD7). Also called: SHORT-RIB THORACIC DYSPLASIA 7 WITH POLYDACTYLY; Short rib polydactyly syndrome 5. Identifiers: Orphanet 498497, Orphanet 93271, MedGen C3279792, MONDO:0013569, OMIM 614091.
Inborn genetic diseases. Identifiers: MedGen C0950123, MeSH D030342.

Allele frequency attached by ClinVar (database versions not stated): ExAC 0.00002; gnomAD exomes 0.00002 and 0.00009; TOPMed 0.00012; gnomAD 0.00016 and 0.00017.
gnomAD v4.1: 60 of 1,613,994 alleles (0.0037%); highest among the groups gnomAD compares: Admixed American, 0.077%; no homozygotes.

Submissions (2):

Ambry Genetics
Classification: Uncertain significance for Inborn genetic diseases. Last evaluated: 2023-12-15. Review status: criteria provided, single submitter. Criteria: Ambry Variant Classification Scheme 2023. Collection method: clinical testing. Allele origin: germline.

Labcorp Genetics (formerly Invitae), Labcorp
Classification: Uncertain significance for Cranioectodermal dysplasia 2; Short-rib thoracic dysplasia 7 with or without polydactyly. Last evaluated: 2021-09-29. Review status: criteria provided, single submitter. Criteria: Invitae Variant Classification Sherloc (09022015). Collection method: clinical testing. Allele origin: germline.
Comment: This sequence change replaces glutamic acid with lysine at codon 763 of the WDR35 protein (p.Glu763Lys). The glutamic acid residue is weakly conserved and there is a small physicochemical difference between glutamic acid and lysine. This variant is present in population databases (rs756006241, ExAC 0.03%). This variant has not been reported in the literature in individuals affected with WDR35-related conditions. Algorithms developed to predict the effect of missense changes on protein structure and function (SIFT, PolyPhen-2, Align-GVGD) all suggest that this variant is likely to be tolerated. In summary, the available evidence is currently insufficient to determine the role of this variant in disease. Therefore, it has been classified as a Variant of Uncertain Significance.